The following is an entry in ClinVar:

ClinVar aggregate classification (germline): not provided (0 of 4 stars; one submission).

Conditions:
Familial long QT syndrome (RWS). Also called: Congenital long QT syndrome; Romano-Ward syndrome; VENTRICULAR FIBRILLATION WITH PROLONGED QT INTERVAL. Identifiers: Orphanet 768, MedGen C1141890, MONDO:0019171.

Submission:

Cardiovascular Biomedical Research Unit, Royal Brompton & Harefield NHS Foundation Trust
No classification provided. Condition: Familial long QT syndrome. Review status: no classification provided. Collection method: literature only. Allele origin: germline.
Comment: This variant has been reported as associated with Long QT syndrome in the following publications (PMID:16155735;PMID:18593567). This is a literature report, and does not necessarily reflect the clinical interpretation of the Imperial College / Royal Brompton Cardiovascular Genetics laboratory.

Literature cited by the submitters: PubMed 16155735; PubMed 18593567; PubMed 22581653.

NM_000238.4(KCNH2):c.1897A>G (p.Asn633Asp)

Gene: KCNH2 (potassium voltage-gated channel subfamily H member 2; minus strand). Cytogenetic location: 7q36.1.
Variant type: single nucleotide variant.
Coding change: c.1897A>G on transcript NM_000238.4 (MANE Select); coding-DNA position 1897, A replaced by G.
Protein change: p.Asn633Asp; replaces asparagine 633 with aspartic acid.
Molecular consequence: missense variant.
Genome position (GRCh38, 1-based): chr7:150,951,496, T>C on the plus strand (A>G on the coding strand, the complement: KCNH2 is on the minus strand). VCF-style: chr7-150951496-T-C. GRCh37 (hg19) VCF-style: chr7-150648584-T-C.
Other names: c.1897A>G (LRG_288t1); c.877A>G, p.Asn293Asp (NM_001204798.2, NM_172057.3); c.1609A>G, p.Asn537Asp (NM_001406753.1, NM_001406756.1); c.1720A>G, p.Asn574Asp (NM_001406755.1); c.1597A>G, p.Asn533Asp (NM_001406757.1); c.1897A>G, p.Asn633Asp (NM_172056.3); short protein forms N293D, N633D, N574D, N533D, N537D.
Identifiers: ClinVar variation 67322 (VCV000067322.3), dbSNP rs199472960, ClinGen allele CA005898.